The following is an entry in ClinVar:

NC_000002.12:g.178618858T>C

Genes: TTN (titin; minus strand), TTN-AS1 (TTN antisense RNA 1; plus strand). Cytogenetic location: 2q31.2.
Variant type: single nucleotide variant.
Molecular consequence: intron variant (on NM_001267550.2).
Genome position: GRCh38 VCF-style: chr2-178618858-T-C. GRCh37 (hg19) VCF-style: chr2-179483585-T-C.
Other names: c.20078-5A>G (NM_133437.4); c.19877-5A>G (NM_133432.3); c.38993-5A>G (NM_133378.4); c.41774-5A>G (NM_001256850.1); c.19502-5A>G (NM_003319.4); c.46697-5A>G (NM_001267550.2).
Identifiers: ClinVar variation 238786 (VCV000238786.24), dbSNP rs182706301, ClinGen allele CA1995182.

ClinVar aggregate classification (germline): Benign/Likely benign. Review status: criteria provided, multiple submitters, no conflicts (2 of 4 stars). 11 submissions from 8 submitters: Benign (5); Likely benign (4). 2 of the submissions do not count toward it. Last evaluated 2026-01-26.

Conditions:
Cardiovascular phenotype. Identifiers: MedGen CN230736.
Autosomal recessive limb-girdle muscular dystrophy type 2J (LGMDR10). Also called: MUSCULAR DYSTROPHY, LIMB-GIRDLE, AUTOSOMAL RECESSIVE 10; Limb-girdle muscular dystrophy, type 2J. Identifiers: Orphanet 140922, MedGen C1837342, MONDO:0012127, OMIM 608807.
Dilated cardiomyopathy 1G (CMD1G). Identifiers: Orphanet 154, MedGen C1858763, MONDO:0011400, OMIM 604145.
TTN-related disorder. Also called: TTN-related condition; TTN-related disease; TTN-related disorders.
Cardiomyopathy (CMYO). Also called: Cardiomyopathies. Identifiers: Orphanet 167848, MedGen C0878544, MONDO:0004994, HP:0001638. Inheritance: Various modes of inheritance.
Early-onset myopathy with fatal cardiomyopathy (CMYO5). Also called: CONGENITAL MYOPATHY 5 WITH CARDIOMYOPATHY; Salih Myopathy. Identifiers: Orphanet 289377, MedGen C2673677, MONDO:0012714, OMIM 611705. Disease mechanism: loss of function.
Myopathy, myofibrillar, 9, with early respiratory failure (MFM9). Also called: Myopathy, distal, with early respiratory failure, autosomal dominant; EDSTROM MYOPATHY; MYOPATHY, PROXIMAL, WITH EARLY RESPIRATORY MUSCLE INVOLVEMENT; Hereditary myopathy with early respiratory failure. Identifiers: Orphanet 178464, Orphanet 34521, MedGen C1863599, MONDO:0011362, OMIM 603689.
Tibial muscular dystrophy (TMD). Also called: Tibial muscular dystrophy, tardive; UDD MYOPATHY; Udd Distal Myopathy – Tibial Muscular Dystrophy. Identifiers: Orphanet 609, MedGen C1838244, MONDO:0010870, OMIM 600334.

Allele frequency attached by ClinVar (database versions not stated): gnomAD exomes 0.00004 and 0.00011; ExAC 0.00014; 1000 Genomes Project 30x 0.00016; 1000 Genomes Project 0.00020; ESP Exome Variant Server 0.00041; gnomAD 0.00056 and 0.00059; TOPMed 0.00067.
gnomAD v4.1: 153 of 1,608,178 alleles (0.0095%); highest among the groups gnomAD compares: African/African-American, 0.16%; no homozygotes.

Submissions (11):

Labcorp Genetics (formerly Invitae), Labcorp
Classification: Benign for Dilated cardiomyopathy 1G; Autosomal recessive limb-girdle muscular dystrophy type 2J. Last evaluated: 2026-01-26. Review status: criteria provided, single submitter. Criteria: Invitae Variant Classification Sherloc (09022015). Collection method: clinical testing. Allele origin: germline.

PreventionGenetics, part of Exact Sciences
Classification: Likely benign for TTN-related condition. Last evaluated: 2025-08-18. Review status: criteria provided, single submitter. Criteria: ACMG Guidelines, 2015. Collection method: clinical testing. Allele origin: germline.
Comment: This variant is classified as likely benign based on ACMG/AMP sequence variant interpretation guidelines (Richards et al. 2015 PMID: 25741868, with internal and published modifications).

Genome-Nilou Lab
Classification: Benign for Autosomal recessive limb-girdle muscular dystrophy type 2J. Last evaluated: 2021-09-10. Review status: criteria provided, single submitter. Criteria: ACMG Guidelines, 2015. Collection method: clinical testing. Allele origin: germline. Affected: no.

Genome-Nilou Lab
Classification: Benign for Myopathy, myofibrillar, 9, with early respiratory failure. Last evaluated: 2021-09-10. Review status: criteria provided, single submitter. Criteria: ACMG Guidelines, 2015. Collection method: clinical testing. Allele origin: germline. Affected: no.

Genome-Nilou Lab
Classification: Benign for Early-onset myopathy with fatal cardiomyopathy. Last evaluated: 2021-09-10. Review status: criteria provided, single submitter. Criteria: ACMG Guidelines, 2015. Collection method: clinical testing. Allele origin: germline. Affected: no.

Genome-Nilou Lab
Classification: Benign for Tibial muscular dystrophy. Last evaluated: 2021-09-10. Review status: criteria provided, single submitter. Criteria: ACMG Guidelines, 2015. Collection method: clinical testing. Allele origin: germline. Affected: no.

GeneDx
Classification: Likely benign. Last evaluated: 2020-12-16. Review status: criteria provided, single submitter. Criteria: GeneDx Variant Classification Process June 2021. Collection method: clinical testing. Allele origin: germline. Affected: yes.

Ambry Genetics
Classification: Likely benign for Cardiovascular phenotype. Last evaluated: 2019-03-06. Review status: criteria provided, single submitter. Criteria: Ambry Variant Classification Scheme 2023. Collection method: clinical testing. Allele origin: germline.

CHEO Genetics Diagnostic Laboratory, Children's Hospital of Eastern Ontario
Classification: Likely benign for Cardiomyopathy. Last evaluated: 2017-03-09. Review status: criteria provided, single submitter. Criteria: ACMG Guidelines, 2015. Collection method: clinical testing. Allele origin: germline. Study: Canadian Open Genetics Repository.

Clinical Genetics, Academic Medical Center
Classification: Benign. Review status: no assertion criteria provided. Collection method: clinical testing. Allele origin: germline. Affected: yes. Study: VKGL Data-share Consensus. Not counted in ClinVar's aggregate classification.

Diagnostic Laboratory, Department of Genetics, University Medical Center Groningen
Classification: Likely benign. Review status: no assertion criteria provided. Collection method: clinical testing. Allele origin: germline. Affected: yes. Study: VKGL Data-share Consensus. Not counted in ClinVar's aggregate classification.